The following is an entry in ClinVar:

ClinVar aggregate classification (germline): Uncertain significance. Review status: criteria provided, multiple submitters, no conflicts (2 of 4 stars). 4 submissions from 4 submitters: Uncertain significance (4). Last evaluated 2025-03-17.

Conditions:
Inborn genetic diseases. Identifiers: MedGen C0950123, MeSH D030342.

Allele frequency attached by ClinVar (database versions not stated): ExAC 0.00002.
gnomAD v4.1: 4 of 1,612,660 alleles (0.00025%); highest among the groups gnomAD compares: Non-Finnish European, 0.00017%; 1 homozygote.

Submissions (4):

Labcorp Genetics (formerly Invitae), Labcorp
Classification: Uncertain significance. Last evaluated: 2025-03-17. Review status: criteria provided, single submitter. Criteria: Invitae Variant Classification Sherloc (09022015). Collection method: clinical testing. Allele origin: germline.
Comment: This sequence change replaces leucine, which is neutral and non-polar, with serine, which is neutral and polar, at codon 844 of the ANKRD26 protein (p.Leu844Ser). The frequency data for this variant in the population databases is considered unreliable, as metrics indicate poor data quality at this position in the gnomAD database. This variant has not been reported in the literature in individuals affected with ANKRD26-related conditions. ClinVar contains an entry for this variant (Variation ID: 2580061). An algorithm developed to predict the effect of missense changes on protein structure and function (PolyPhen-2) suggests that this variant is likely to be disruptive. In summary, the available evidence is currently insufficient to determine the role of this variant in disease. Therefore, it has been classified as a Variant of Uncertain Significance.

Ambry Genetics
Classification: Uncertain significance for Inborn genetic diseases. Last evaluated: 2025-02-08. Review status: criteria provided, single submitter. Criteria: Ambry Variant Classification Scheme 2023. Collection method: clinical testing. Allele origin: germline.
Comment: The p.L844S variant (also known as c.2531T>C), located in coding exon 22 of the ANKRD26 gene, results from a T to C substitution at nucleotide position 2531. The leucine at codon 844 is replaced by serine, an amino acid with dissimilar properties. This amino acid position is conserved. In addition, this alteration is predicted to be tolerated by in silico analysis. Based on the available evidence, the clinical significance of this variant remains unclear.

GeneDx
Classification: Uncertain significance. Last evaluated: 2023-10-20. Review status: criteria provided, single submitter. Criteria: GeneDx Variant Classification Process June 2021. Collection method: clinical testing. Allele origin: germline.
Comment: Not observed at significant frequency in large population cohorts (gnomAD); In silico analysis supports that this missense variant has a deleterious effect on protein structure/function; Has not been previously published as pathogenic or benign to our knowledge

Blueprint Genetics
Classification: Uncertain significance. Last evaluated: 2022-05-02. Review status: criteria provided, single submitter. Criteria: ACMG Guidelines, 2015. Collection method: clinical testing. Allele origin: germline.

NM_014915.3(ANKRD26):c.2531T>C (p.Leu844Ser)

Gene: ANKRD26 (ankyrin repeat domain 26; minus strand). Cytogenetic location: 10p12.1.
Variant type: single nucleotide variant.
Coding change: c.2531T>C on transcript NM_014915.3 (MANE Select); coding-DNA position 2531, T replaced by C.
Protein change: p.Leu844Ser; replaces leucine 844 with serine.
Molecular consequence: missense variant.
Genome position (GRCh38, 1-based): chr10:27,037,899, A>G on the plus strand (T>C on the coding strand, the complement: ANKRD26 is on the minus strand). VCF-style: chr10-27037899-A-G. GRCh37 (hg19) VCF-style: chr10-27326828-A-G.
Other names: c.2528T>C, p.Leu843Ser (NM_001256053.2); short protein forms L843S, L844S.
Identifiers: ClinVar variation 2580061 (VCV002580061.6), dbSNP rs773433403, ClinGen allele CA5448207.